The following is an entry in ClinVar:

NM_016562.4(TLR7):c.2011G>A (p.Asp671Asn)

Gene: TLR7 (toll like receptor 7; plus strand). Cytogenetic location: Xp22.2.
Variant type: single nucleotide variant.
Coding change: c.2011G>A on transcript NM_016562.4 (MANE Select); coding-DNA position 2011, G replaced by A.
Protein change: p.Asp671Asn; replaces aspartic acid 671 with asparagine.
Molecular consequence: missense variant.
Genome position (GRCh38, 1-based): chrX:12,887,519, G>A. VCF-style: chrX-12887519-G-A. GRCh37 (hg19) VCF-style: chrX-12905638-G-A.
Other names: short protein forms D671N.
Identifiers: ClinVar variation 4750213 (VCV004750213.1).

ClinVar aggregate classification (germline): Uncertain significance (1 of 4 stars; one submission).

Submission:

Labcorp Genetics (formerly Invitae), Labcorp
Classification: Uncertain significance. Last evaluated: 2025-08-23. Review status: criteria provided, single submitter. Criteria: Invitae Variant Classification Sherloc (09022015). Collection method: clinical testing. Allele origin: germline.
Comment: This sequence change replaces aspartic acid, which is acidic and polar, with asparagine, which is neutral and polar, at codon 671 of the TLR7 protein (p.Asp671Asn). This variant is not present in population databases (gnomAD no frequency). This variant has not been reported in the literature in individuals affected with TLR7-related conditions. An algorithm developed to predict the effect of missense changes on protein structure and function (PolyPhen-2) suggests that this variant is likely to be tolerated. In summary, the available evidence is currently insufficient to determine the role of this variant in disease. Therefore, it has been classified as a Variant of Uncertain Significance.